The following is an entry in ClinVar:

NM_001127671.2(LIFR):c.205G>A (p.Ala69Thr)

Gene: LIFR (LIF receptor subunit alpha; minus strand). Cytogenetic location: 5p13.1.
Variant type: single nucleotide variant.
Coding change: c.205G>A on transcript NM_001127671.2 (MANE Select); coding-DNA position 205, G replaced by A.
Protein change: p.Ala69Thr; replaces alanine 69 with threonine.
Molecular consequence: missense variant.
Genome position (GRCh38, 1-based): chr5:38,528,778, C>T on the plus strand (G>A on the coding strand, the complement: LIFR is on the minus strand). VCF-style: chr5-38528778-C-T. GRCh37 (hg19) VCF-style: chr5-38528880-C-T.
Other names: c.205G>A (NM_002310.5); c.205G>A, p.Ala69Thr (NM_001364297.2, NM_001364298.2, NM_002310.6); short protein forms A69T.
Identifiers: ClinVar variation 1505296 (VCV001505296.5), dbSNP rs1299060827, ClinGen allele CA359615971.
Genomic context (GRCh38, chr5:38,528,778, plus strand): 5'-AAAATTACCTGTTTTCAATGCAAACTTCATAATCAGTACCACGGCCTGTTCCAGAGGGTG[C>T]TTTCCAAGAACAGTTCCACACTTGCAAATTGTTAGTTACACACTTCAAATCATGAGGAGC-3'
Protein context (NP_001121143.1, residues 59-79): NLQVWNCSWK[Ala69Thr]PSGTGRGTDY

ClinVar aggregate classification (germline): Uncertain significance. Review status: criteria provided, multiple submitters, no conflicts (2 of 4 stars). 3 submissions from 3 submitters: Uncertain significance (3). Last evaluated 2025-11-20.

Conditions:
Stüve-Wiedemann syndrome 1. Also called: STUVE-WIEDEMANN/SCHWARTZ-JAMPEL TYPE 2 SYNDROME. Identifiers: Orphanet 3206, MedGen C5676888, MONDO:0800043, OMIM 601559.
Inborn genetic diseases. Identifiers: MedGen C0950123, MeSH D030342.

Allele frequency attached by ClinVar (database versions not stated): gnomAD exomes below 0.00001.
gnomAD v4.1: 6 of 1,598,422 alleles (0.00038%); highest among the groups gnomAD compares: Non-Finnish European, 0.00051%; no homozygotes.

Submissions (3):

Ambry Genetics
Classification: Uncertain significance for Inborn genetic diseases. Last evaluated: 2025-11-20. Review status: criteria provided, single submitter. Criteria: Ambry Variant Classification Scheme 2023. Collection method: clinical testing. Allele origin: germline.

Fulgent Genetics
Classification: Uncertain significance for Stüve-Wiedemann syndrome 1. Last evaluated: 2024-05-15. Review status: criteria provided, single submitter. Criteria: ACMG Guidelines, 2015. Collection method: clinical testing. Allele origin: germline.

Labcorp Genetics (formerly Invitae), Labcorp
Classification: Uncertain significance. Last evaluated: 2021-12-13. Review status: criteria provided, single submitter. Criteria: Invitae Variant Classification Sherloc (09022015). Collection method: clinical testing. Allele origin: germline.
Comment: This sequence change replaces alanine, which is neutral and non-polar, with threonine, which is neutral and polar, at codon 69 of the LIFR protein (p.Ala69Thr). This variant is not present in population databases (gnomAD no frequency). This variant has not been reported in the literature in individuals affected with LIFR-related conditions. Algorithms developed to predict the effect of missense changes on protein structure and function (SIFT, PolyPhen-2, Align-GVGD) all suggest that this variant is likely to be tolerated. In summary, the available evidence is currently insufficient to determine the role of this variant in disease. Therefore, it has been classified as a Variant of Uncertain Significance.